The following is an entry in ClinVar:

ClinVar aggregate classification (germline): Likely benign. Review status: criteria provided, multiple submitters, no conflicts (2 of 4 stars). 3 submissions from 3 submitters: Likely benign (3). Last evaluated 2026-09-11.

Conditions:
HK1-related disorder. Also called: HK1-related disorders; HK1-related condition.

Allele frequency attached by ClinVar (database versions not stated): gnomAD 0.00001 and 0.00002; gnomAD exomes 0.00001; TOPMed 0.00002.

Submissions (3):

PreventionGenetics, part of Exact Sciences
Classification: Likely benign for HK1-related condition. Last evaluated: 2026-09-11. Review status: criteria provided, single submitter. Criteria: ACMG Guidelines, 2015. Collection method: clinical testing. Allele origin: germline.
Comment: This variant is classified as likely benign based on ACMG/AMP sequence variant interpretation guidelines (Richards et al. 2015 PMID: 25741868, with internal and published modifications).

Labcorp Genetics (formerly Invitae), Labcorp
Classification: Likely benign. Last evaluated: 2026-01-17. Review status: criteria provided, single submitter. Criteria: Invitae Variant Classification Sherloc (09022015). Collection method: clinical testing. Allele origin: germline.

Blueprint Genetics
Classification: Likely benign. Last evaluated: 2024-09-10. Review status: criteria provided, single submitter. Criteria: ACMG Guidelines, 2015. Collection method: clinical testing. Allele origin: germline.

NM_000188.3(HK1):c.1656G>A (p.Thr552=)

Gene: HK1 (hexokinase 1; plus strand). Cytogenetic location: 10q22.1.
Variant type: single nucleotide variant.
Coding change: c.1656G>A on transcript NM_000188.3 (MANE Select); coding-DNA position 1656, G replaced by A.
Protein change: p.Thr552=; no amino-acid change (threonine 552 retained).
Molecular consequence: synonymous variant.
Genome position (GRCh38, 1-based): chr10:69,384,418, G>A. VCF-style: chr10-69384418-G-A. GRCh37 (hg19) VCF-style: chr10-71144174-G-A.
Other names: c.1668G>A, p.Thr556= (NM_001322364.2, NM_001358263.1, NM_033497.3 and 1 more transcripts); c.1761G>A, p.Thr587= (NM_001322365.2); c.1572G>A, p.Thr524= (NM_001322366.1); c.1560G>A, p.Thr520= (NM_001322367.1); c.1653G>A, p.Thr551= (NM_033496.3); c.1620G>A, p.Thr540= (NM_033500.2).
Identifiers: ClinVar variation 733356 (VCV000733356.12), dbSNP rs1181484474, ClinGen allele CA470027252.